The following is an entry in ClinVar:

NM_000278.5(PAX2):c.352C>T (p.Leu118Phe)

Gene: PAX2 (paired box 2; plus strand). Cytogenetic location: 10q24.31.
Variant type: single nucleotide variant.
Coding change: c.352C>T on transcript NM_000278.5 (MANE Select); coding-DNA position 352, C replaced by T.
Protein change: p.Leu118Phe; replaces leucine 118 with phenylalanine.
Molecular consequence: missense variant.
Genome position (GRCh38, 1-based): chr10:100,750,833, C>T. VCF-style: chr10-100750833-C-T. GRCh37 (hg19) VCF-style: chr10-102510590-C-T.
Other names: c.445C>T, p.Leu149Phe (NM_001304569.2); c.352C>T, p.Leu118Phe (NM_003987.5, NM_003988.5, NM_003989.5 and 1 more transcripts); short protein forms L118F, L149F.
Identifiers: ClinVar variation 3370345 (VCV003370345.1).

ClinVar aggregate classification (germline): Uncertain significance (1 of 4 stars; one submission).

Conditions:
Renal coloboma syndrome (PAPRS). Also called: PAPILLORENAL SYNDROME WITH MILD OCULAR ABNORMALITIES; COLOBOMA OF OPTIC NERVE WITH RENAL DISEASE; OPTIC COLOBOMA, VESICOURETERAL REFLUX, AND RENAL ANOMALIES; OPTIC NERVE COLOBOMA WITH RENAL DISEASE; RENAL-COLOBOMA SYNDROME WITH MACULAR ABNORMALITIES; PAPILLORENAL SYNDROME. Identifiers: Orphanet 1475, MedGen C1852759, MONDO:0007352, OMIM 120330.

Submission:

MVZ Medizinische Genetik Mainz
Classification: Uncertain significance for Renal coloboma syndrome. Last evaluated: 2024-09-25. Review status: criteria provided, single submitter. Criteria: UK Practice Guidelines For Variant Classification V4 01 2020. Collection method: clinical testing. Allele origin: germline. Inheritance: Autosomal dominant inheritance. Affected: yes. Observed: 1 variant allele.
Comment: ACMG Criteria: PM1,PP3_MOD,PM2_SUP